The following is an entry in ClinVar:

NM_006466.4(POLR3F):c.695T>A (p.Met232Lys)

Gene: POLR3F (RNA polymerase III subunit F; plus strand). Cytogenetic location: 20p11.23.
Variant type: single nucleotide variant.
Coding change: c.695T>A on transcript NM_006466.4 (MANE Select); coding-DNA position 695, T replaced by A.
Protein change: p.Met232Lys; replaces methionine 232 with lysine.
Molecular consequence: missense variant. On other transcripts: non-coding transcript variant (1).
Genome position (GRCh38, 1-based): chr20:18,481,632, T>A. VCF-style: chr20-18481632-T-A. GRCh37 (hg19) VCF-style: chr20-18462276-T-A.
Other names: c.572T>A, p.Met191Lys (NM_001282526.2); c.551T>A, p.Met184Lys (NM_001410821.1); short protein forms M184K, M232K, M191K.
Identifiers: ClinVar variation 2873887 (VCV002873887.3), dbSNP rs139273426, ClinGen allele CA9777594.
Genomic context (GRCh38, chr20:18,481,632, plus strand): 5'-TGTCTCCCTATCCTACTTGTGTCCTTTCTGATGTATCCCTTTTTTAGGTAGAGTTATCCA[T>A]GGAAGACATTGAAACCATCCTGAATACACTCATTTATGATGGAAAAGTGGAGATGACGAT-3'
Protein context (NP_006457.2, residues 222-242): ELGISKVELS[Met232Lys]EDIETILNTL

ClinVar aggregate classification (germline): Uncertain significance (1 of 4 stars; one submission).

Allele frequency attached by ClinVar (database versions not stated): gnomAD exomes 0.00003.
gnomAD v4.1: 49 of 1,605,964 alleles (0.0031%); highest among the groups gnomAD compares: South Asian, 0.053%; 1 homozygote.

Submission:

Labcorp Genetics (formerly Invitae), Labcorp
Classification: Uncertain significance. Last evaluated: 2023-03-01. Review status: criteria provided, single submitter. Criteria: Invitae Variant Classification Sherloc (09022015). Collection method: clinical testing. Allele origin: germline.
Comment: This sequence change replaces methionine, which is neutral and non-polar, with lysine, which is basic and polar, at codon 191 of the POLR3F protein (p.Met191Lys). This variant is present in population databases (rs139273426, gnomAD 0.07%), and has an allele count higher than expected for a pathogenic variant. This variant has not been reported in the literature in individuals affected with POLR3F-related conditions. Experimental studies and prediction algorithms are not available or were not evaluated, and the functional significance of this variant is currently unknown. In summary, the available evidence is currently insufficient to determine the role of this variant in disease. Therefore, it has been classified as a Variant of Uncertain Significance.